The following is an entry in ClinVar:

NC_000005.9:g.(?_147443608)_(147516554_?)dup

Gene: SPINK5 (serine peptidase inhibitor Kazal type 5; plus strand). Cytogenetic location: 5q32.
Variant type: Duplication.
Identifiers: ClinVar variation 1411577 (VCV001411577.5).

ClinVar aggregate classification (germline): Uncertain significance (1 of 4 stars; one submission).

Conditions:
Ichthyosis linearis circumflexa. Identifiers: MedGen C0265962, MONDO:0043106, HP:0025810.

Submission:

Labcorp Genetics (formerly Invitae), Labcorp
Classification: Uncertain significance for Ichthyosis linearis circumflexa. Last evaluated: 2021-10-05. Review status: criteria provided, single submitter. Criteria: Invitae Variant Classification Sherloc (09022015). Collection method: clinical testing. Allele origin: germline.
Comment: A copy number gain of the genomic region encompassing the full coding sequence of the SPINK5 gene has been identified. The boundaries of this event are unknown as they extend beyond the assayed region for this gene and therefore may encompass additional genes. As the precise location of this event is unknown, it may be in tandem or it may be located elsewhere in the genome. This variant has not been reported in the literature in individuals affected with SPINK5-related conditions. In summary, the available evidence is currently insufficient to determine the role of this variant in disease. Therefore, it has been classified as a Variant of Uncertain Significance.